The following is an entry in ClinVar:

ClinVar aggregate classification (germline): Benign. Review status: criteria provided, single submitter (1 of 4 stars). 6 submissions from 1 submitter: Benign (6). Last evaluated 2018-01-13.

Conditions:
Anophthalmia-microphthalmia syndrome. Also called: Anophthalmia/Microphthalmia; Anophthalmia - microphthalmia. Identifiers: Orphanet 98555, MedGen C5680330, MONDO:0020147.
Autosomal dominant keratitis. Also called: Keratitis, hereditary. Identifiers: Orphanet 2334, MedGen C1835698, MONDO:0007848, OMIM 148190.
Foveal hypoplasia 1. Also called: FOVEAL HYPOPLASIA 1 WITH OR WITHOUT ANTERIOR SEGMENT ANOMALIES AND/OR CATARACT; FOVEAL HYPOPLASIA 1 WITH ANTERIOR SEGMENT ANOMALIES. Identifiers: Orphanet 2253, MedGen C3805604, MONDO:0007628, OMIM 136520.
11p partial monosomy syndrome (WAGR). Also called: WAGR Spectrum Disorder; WAGR syndrome; WAGR Complex; CHROMOSOME 11p13 DELETION SYNDROME. Identifiers: Orphanet 893, MedGen C0206115, MONDO:0008681, OMIM 194072.
Aniridia 1 (AN1). Identifiers: Orphanet 250923, MedGen C0344542, MONDO:0024507, OMIM 106210.
carboxymethyl-dextran-A2-gadolinium-DOTA.

Allele frequency attached by ClinVar (database versions not stated): TOPMed 0.05836; gnomAD exomes 0.01101; 1000 Genomes Project 0.05671; 1000 Genomes Project 30x 0.05934; gnomAD 0.05229 and 0.05615.
gnomAD v4.1: 8,431 of 196,630 alleles (4.3%); highest among the groups gnomAD compares: African/African-American, 18%; 747 homozygotes.

Submissions (6):

Illumina Laboratory Services, Illumina
Classification: Benign for Aniridia 1. Last evaluated: 2018-01-13. Review status: criteria provided, single submitter. Criteria: ICSL Variant Classification Criteria 13 December 2019. Collection method: clinical testing. Allele origin: germline.
Comment: This variant was observed in the ICSL laboratory as part of a predisposition screen in an ostensibly healthy population. It had not been previously curated by ICSL or reported in the Human Gene Mutation Database (HGMD: prior to June 1st, 2018), and was therefore a candidate for classification through an automated scoring system. Utilizing variant allele frequency, disease prevalence and penetrance estimates, and inheritance mode, an automated score was calculated to assess if this variant is too frequent to cause the disease. Based on the score and internal cut-off values, a variant classified as benign is not then subjected to further curation. The score for this variant resulted in a classification of benign for this disease.

Illumina Laboratory Services, Illumina
Classification: Benign for Foveal hypoplasia 1. Last evaluated: 2018-01-13. Review status: criteria provided, single submitter. Criteria: ICSL Variant Classification Criteria 13 December 2019. Collection method: clinical testing. Allele origin: germline.
Comment: the same text as in the submission from Illumina Laboratory Services, Illumina above.

Illumina Laboratory Services, Illumina
Classification: Benign for carboxymethyl-dextran-A2-gadolinium-DOTA. Last evaluated: 2018-01-13. Review status: criteria provided, single submitter. Criteria: ICSL Variant Classification Criteria 13 December 2019. Collection method: clinical testing. Allele origin: germline.
Comment: the same text as in the submission from Illumina Laboratory Services, Illumina above.

Illumina Laboratory Services, Illumina
Classification: Benign for Anophthalmia-microphthalmia syndrome. Last evaluated: 2018-01-13. Review status: criteria provided, single submitter. Criteria: ICSL Variant Classification Criteria 13 December 2019. Collection method: clinical testing. Allele origin: germline.
Comment: the same text as in the submission from Illumina Laboratory Services, Illumina above.

Illumina Laboratory Services, Illumina
Classification: Benign for Wilms tumor, aniridia, genitourinary anomalies, and mental retardation syndrome. Last evaluated: 2018-01-13. Review status: criteria provided, single submitter. Criteria: ICSL Variant Classification Criteria 13 December 2019. Collection method: clinical testing. Allele origin: germline.
Comment: the same text as in the submission from Illumina Laboratory Services, Illumina above.

Illumina Laboratory Services, Illumina
Classification: Benign for Autosomal dominant keratitis. Last evaluated: 2018-01-13. Review status: criteria provided, single submitter. Criteria: ICSL Variant Classification Criteria 13 December 2019. Collection method: clinical testing. Allele origin: germline.
Comment: the same text as in the submission from Illumina Laboratory Services, Illumina above.

NM_000280.4(PAX6):c.*4296G>C

Genes: ELP4 (elongator acetyltransferase complex subunit 4; plus strand), PAX6 (paired box 6; minus strand). Cytogenetic location: 11p13.
Variant type: single nucleotide variant.
Coding change: c.*4296G>C on transcript NM_000280.4; 4296 bases downstream of the stop codon, G replaced by C.
Molecular consequence: 3 prime UTR variant (on NM_019040.5).
Genome position (GRCh38, 1-based): chr11:31,785,638, C>G on the plus strand (G>C on the coding strand, the complement: PAX6 is on the minus strand). VCF-style: chr11-31785638-C-G. GRCh37 (hg19) VCF-style: chr11-31807186-C-G.
Other names: c.*2100C>G (NM_001288725.2); c.*2209C>G (NM_001288726.2); c.*2114C>G (NM_019040.5).
Identifiers: ClinVar variation 304297 (VCV000304297.8), dbSNP rs16922475, ClinGen allele CA10638895.
Genomic context (GRCh38, chr11:31,785,638, plus strand): 5'-AAGTGTACCTGGGCTTTCCAAAAATCATATCCAAGTGCTTTGTTTTTCTAATTCACTGGG[C>G]CGGCTTTGTAAAAATAAGCTACTGGAGAGGGGTGTGTATTTTTGTCTTCCTCTGATAAAA-3'